The following is an entry in ClinVar:

ClinVar aggregate classification (germline): Benign (1 of 4 stars; one submission).

Conditions:
Familial adenomatous polyposis 1 (FAP1). Also called: POLYPOSIS, ADENOMATOUS INTESTINAL; FAMILIAL ADENOMATOUS POLYPOSIS 1, ATTENUATED. Identifiers: MedGen C2713442, MONDO:0021056, OMIM 175100. Disease mechanism: loss of function.

Submission:

Myriad Genetics, Inc.
Classification: Benign for Familial adenomatous polyposis 1. Last evaluated: 2024-04-02. Review status: criteria provided, single submitter. Criteria: Myriad Autosomal Dominant, Autosomal Recessive and X-Linked Classification Criteria (2023). Collection method: clinical testing. Allele origin: unknown.
Comment: This variant is considered benign. This variant is a silent/synonymous amino acid change and it is not expected to impact splicing.

NM_000038.6(APC):c.5844T>C (p.Asp1948=)

Gene: APC (APC regulator of Wnt signaling pathway; plus strand). Cytogenetic location: 5q22.2.
Variant type: single nucleotide variant.
Coding change: c.5844T>C on transcript NM_000038.6 (MANE Select); coding-DNA position 5844, T replaced by C.
Protein change: p.Asp1948=; no amino-acid change (aspartic acid 1948 retained).
Molecular consequence: synonymous variant. On other transcripts: non-coding transcript variant (2).
Genome position (GRCh38, 1-based): chr5:112,841,438, T>C. VCF-style: chr5-112841438-T-C. GRCh37 (hg19) VCF-style: chr5-112177135-T-C.
Other names: c.5844T>C, p.Asp1948= (NM_001127510.3, NM_001354895.2, NM_001407450.1); c.5790T>C, p.Asp1930= (NM_001127511.3); c.5898T>C, p.Asp1966= (NM_001354896.2, NM_001407447.1, NM_001407448.1 and 1 more transcripts); c.5874T>C, p.Asp1958= (NM_001354897.2); c.5769T>C, p.Asp1923= (NM_001354898.2); c.5760T>C, p.Asp1920= (NM_001354899.2); c.5721T>C, p.Asp1907= (NM_001354900.2); c.5667T>C, p.Asp1889= (NM_001354901.2, NM_001407453.1); and 11 more.
Identifiers: ClinVar variation 3253975 (VCV003253975.1), dbSNP rs1766064051.